The following is an entry in ClinVar:

NM_000361.3(THBD):c.1330G>T (p.Glu444Ter)

Gene: THBD (thrombomodulin; minus strand). Cytogenetic location: 20p11.21.
Variant type: single nucleotide variant.
Coding change: c.1330G>T on transcript NM_000361.3 (MANE Select); coding-DNA position 1330, G replaced by T.
Protein change: p.Glu444Ter; replaces glutamic acid 444 with a stop codon.
Molecular consequence: nonsense.
Genome position (GRCh38, 1-based): chr20:23,048,175, C>A on the plus strand (G>T on the coding strand, the complement: THBD is on the minus strand). VCF-style: chr20-23048175-C-A. GRCh37 (hg19) VCF-style: chr20-23028812-C-A.
Other names: short protein forms E444*.
Identifiers: ClinVar variation 2823326 (VCV002823326.3), dbSNP rs1458513801, ClinGen allele CA408405746.

ClinVar aggregate classification (germline): Uncertain significance (1 of 4 stars; one submission).

Submission:

Labcorp Genetics (formerly Invitae), Labcorp
Classification: Uncertain significance. Last evaluated: 2023-06-04. Review status: criteria provided, single submitter. Criteria: Invitae Variant Classification Sherloc (09022015). Collection method: clinical testing. Allele origin: germline.
Comment: This sequence change creates a premature translational stop signal (p.Glu444*) in the THBD gene. While this is not anticipated to result in nonsense mediated decay, it is expected to disrupt the last 132 amino acid(s) of the THBD protein. This variant is not present in population databases (gnomAD no frequency). This variant has not been reported in the literature in individuals affected with THBD-related conditions. Experimental studies and prediction algorithms are not available or were not evaluated, and the functional significance of this variant is currently unknown. In summary, the available evidence is currently insufficient to determine the role of this variant in disease. Therefore, it has been classified as a Variant of Uncertain Significance.